The following is an entry in ClinVar:

NM_006231.4(POLE):c.5444A>G (p.Asp1815Gly)

Gene: POLE (DNA polymerase epsilon, catalytic subunit; minus strand). Cytogenetic location: 12q24.33.
Variant type: single nucleotide variant.
Coding change: c.5444A>G on transcript NM_006231.4 (MANE Select); coding-DNA position 5444, A replaced by G.
Protein change: p.Asp1815Gly; replaces aspartic acid 1815 with glycine.
Molecular consequence: missense variant.
Genome position (GRCh38, 1-based): chr12:132,639,233, T>C on the plus strand (A>G on the coding strand, the complement: POLE is on the minus strand). VCF-style: chr12-132639233-T-C. GRCh37 (hg19) VCF-style: chr12-133215819-T-C.
Other names: short protein forms D1815G.
Identifiers: ClinVar variation 2709307 (VCV002709307.3), dbSNP rs2138510295, ClinGen allele CA387374804.

ClinVar aggregate classification (germline): Uncertain significance (1 of 4 stars; one submission).

Submission:

Labcorp Genetics (formerly Invitae), Labcorp
Classification: Uncertain significance. Last evaluated: 2024-01-21. Review status: criteria provided, single submitter. Criteria: Invitae Variant Classification Sherloc (09022015). Collection method: clinical testing. Allele origin: germline.
Comment: This sequence change replaces aspartic acid, which is acidic and polar, with glycine, which is neutral and non-polar, at codon 1815 of the POLE protein (p.Asp1815Gly). This variant is not present in population databases (gnomAD no frequency). This variant has not been reported in the literature in individuals affected with POLE-related conditions. Advanced modeling of protein sequence and biophysical properties (such as structural, functional, and spatial information, amino acid conservation, physicochemical variation, residue mobility, and thermodynamic stability) performed at Invitae indicates that this missense variant is expected to disrupt POLE protein function with a positive predictive value of 80%. In summary, the available evidence is currently insufficient to determine the role of this variant in disease. Therefore, it has been classified as a Variant of Uncertain Significance.